The following is an entry in ClinVar:

NM_001127208.3(TET2):c.3191T>A (p.Val1064Asp)

Genes: TET2 (tet methylcytosine dioxygenase 2; plus strand), TET2-AS1 (TET2 antisense RNA 1; minus strand). Cytogenetic location: 4q24.
Variant type: single nucleotide variant.
Coding change: c.3191T>A on transcript NM_001127208.3 (MANE Select); coding-DNA position 3191, T replaced by A.
Protein change: p.Val1064Asp; replaces valine 1064 with aspartic acid.
Molecular consequence: missense variant.
Genome position (GRCh38, 1-based): chr4:105,237,133, T>A. VCF-style: chr4-105237133-T-A. GRCh37 (hg19) VCF-style: chr4-106158290-T-A.
Other names: c.3191T>A, p.Val1064Asp (NM_017628.4); short protein forms V1064D.
Identifiers: ClinVar variation 4183007 (VCV004183007.1).

ClinVar aggregate classification (germline): Uncertain significance (1 of 4 stars; one submission).

gnomAD v4.1: 2 of 1,614,148 alleles (0.00012%); highest among the groups gnomAD compares: Non-Finnish European, 0.00017%; no homozygotes.

Submission:

Ambry Genetics
Classification: Uncertain significance. Last evaluated: 2025-08-04. Review status: criteria provided, single submitter. Criteria: Ambry Variant Classification Scheme 2023. Collection method: clinical testing. Allele origin: germline.
Comment: The p.V1064D variant (also known as c.3191T>A), located in coding exon 1 of the TET2 gene, results from a T to A substitution at nucleotide position 3191. The valine at codon 1064 is replaced by aspartic acid, an amino acid with highly dissimilar properties. This amino acid position is conserved. In addition, the in silico prediction for this alteration is inconclusive. Based on the available evidence, the clinical significance of this variant remains unclear.